The following is an entry in ClinVar:

NM_015506.3(MMACHC):c.436_450del (p.Ser146_Ile150del)

Gene: MMACHC (metabolism of cobalamin associated C; plus strand). Cytogenetic location: 1p34.1.
Variant type: Deletion.
Coding change: c.436_450del on transcript NM_015506.3 (MANE Select); coding-DNA positions 436 to 450, 15 bases deleted (TCAGGTGTGTGCATA).
Protein change: p.Ser146_Ile150del.
Molecular consequence: inframe deletion.
Genome position (GRCh38, 1-based): chr1:45,508,802-45,508,816, TCAGGTGTGTGCATA deleted; deleting any 15 consecutive bases within chr1:45,508,797-45,508,816 gives the same sequence; the c. name uses the placement nearest the transcript's 3' end. VCF-style (leftmost placement, unchanged base first): chr1-45508796-CGCATATCAGGTGTGT-C. GRCh37 (hg19) VCF-style: chr1-45974468-CGCATATCAGGTGTGT-C.
Other names: c.265_279del, p.Ser89_Ile93del (NM_001330540.2).
Identifiers: ClinVar variation 550731 (VCV000550731.5), dbSNP rs747550590, ClinGen allele CA827752.

ClinVar aggregate classification (germline): Pathogenic. Review status: criteria provided, single submitter (1 of 4 stars). 2 submissions from 2 submitters: Pathogenic (1). 1 of the submissions does not count toward it. Last evaluated 2023-08-20.

Conditions:
Cobalamin C disease. Also called: Methylmalonic aciduria and homocystinuria, Vitamin B12-responsive; Vitamin B12 metabolic defect with combined deficiency of methylmalonyl-CoA mutase and homocysteine:methyltetrahydrofolate methyltransferase; Cobalamin-C methylmalonic acidemia and homocystinuria; Methylmalonic acidemia and homocystinuria cblC type; methylmalonic aciduria and homocystinuria type cblC; Methylmalonic aciduria with homocystinuria cblC type. Identifiers: Orphanet 26, Orphanet 79282, MedGen C1848561, MONDO:0010184, OMIM 277400.

Submissions (2):

Labcorp Genetics (formerly Invitae), Labcorp
Classification: Pathogenic for Cobalamin C disease. Last evaluated: 2023-08-20. Review status: criteria provided, single submitter. Criteria: Invitae Variant Classification Sherloc (09022015). Collection method: clinical testing. Allele origin: germline.
Comment: This variant disrupts a region of the MMACHC protein in which other variant(s) (p.Gly147Asp) have been determined to be pathogenic (PMID: 16311595, 16714133, 19370762, 19700356, 25672861, 26825575). This suggests that this is a clinically significant region of the protein, and that variants that disrupt it are likely to be disease-causing. ClinVar contains an entry for this variant (Variation ID: 550731). This variant has not been reported in the literature in individuals affected with MMACHC-related conditions. This variant is present in population databases (rs747550590, gnomAD 0.0009%). This variant, c.436_450del, results in the deletion of 5 amino acid(s) of the MMACHC protein (p.Ser146_Ile150del), but otherwise preserves the integrity of the reading frame. For these reasons, this variant has been classified as Pathogenic.

Counsyl
Classification: Uncertain significance for Cobalamin C disease. Last evaluated: 2017-02-10. Review status: no assertion criteria provided. Collection method: clinical testing. Allele origin: unknown. Not counted in ClinVar's aggregate classification.

Literature cited by the submitters: PubMed 16311595 (cited by Labcorp Genetics (formerly Invitae), Labcorp); PubMed 16714133 (cited by Labcorp Genetics (formerly Invitae), Labcorp); PubMed 19370762 (cited by Labcorp Genetics (formerly Invitae), Labcorp); PubMed 19700356 (cited by Labcorp Genetics (formerly Invitae), Labcorp); PubMed 25672861 (cited by Labcorp Genetics (formerly Invitae), Labcorp); PubMed 26825575 (cited by Labcorp Genetics (formerly Invitae), Labcorp).